The following is an entry in ClinVar:

ClinVar aggregate classification (germline): Uncertain significance. Review status: criteria provided, multiple submitters, no conflicts (2 of 4 stars). 2 submissions from 2 submitters: Uncertain significance (2). Last evaluated 2026-01-19.

Conditions:
Severe combined immunodeficiency due to DNA-PKcs deficiency. Also called: IMMUNODEFICIENCY 26 WITH NEUROLOGIC ABNORMALITIES; Immunodeficiency 26 with or without neurologic abnormalities. Identifiers: Orphanet 317425, MedGen C4014833, MONDO:0014423, OMIM 615966.

Allele frequency attached by ClinVar (database versions not stated): ExAC 0.00002; gnomAD exomes 0.00002 and 0.00004; gnomAD 0.00005; TOPMed 0.00006; ESP Exome Variant Server 0.00015; 1000 Genomes Project 30x 0.00016; 1000 Genomes Project 0.00020.
gnomAD v4.1: 79 of 1,613,744 alleles (0.0049%); highest among the groups gnomAD compares: Middle Eastern, 0.016%; no homozygotes.

Submissions (2):

Labcorp Genetics (formerly Invitae), Labcorp
Classification: Uncertain significance for Severe combined immunodeficiency due to DNA-PKcs deficiency. Last evaluated: 2026-01-19. Review status: criteria provided, single submitter. Criteria: Invitae Variant Classification Sherloc (09022015). Collection method: clinical testing. Allele origin: germline.
Comment: This sequence change replaces arginine, which is basic and polar, with tryptophan, which is neutral and slightly polar, at codon 2090 of the PRKDC protein (p.Arg2090Trp). This variant is present in population databases (rs375294044, gnomAD 0.006%). This variant has not been reported in the literature in individuals affected with PRKDC-related conditions. ClinVar contains an entry for this variant (Variation ID: 541985). Invitae Evidence Modeling of protein sequence and biophysical properties (such as structural, functional, and spatial information, amino acid conservation, physicochemical variation, residue mobility, and thermodynamic stability) indicates that this missense variant is expected to disrupt PRKDC protein function with a positive predictive value of 80%. In summary, the available evidence is currently insufficient to determine the role of this variant in disease. Therefore, it has been classified as a Variant of Uncertain Significance.

Blueprint Genetics
Classification: Uncertain significance. Last evaluated: 2022-05-04. Review status: criteria provided, single submitter. Criteria: ACMG Guidelines, 2015. Collection method: clinical testing. Allele origin: germline.

NM_006904.7(PRKDC):c.6268C>T (p.Arg2090Trp)

Gene: PRKDC (protein kinase, DNA-activated, catalytic subunit; minus strand). Cytogenetic location: 8q11.21.
Variant type: single nucleotide variant.
Coding change: c.6268C>T on transcript NM_006904.7 (MANE Select); coding-DNA position 6268, C replaced by T.
Protein change: p.Arg2090Trp; replaces arginine 2090 with tryptophan.
Molecular consequence: missense variant.
Genome position (GRCh38, 1-based): chr8:47,858,926, G>A on the plus strand (C>T on the coding strand, the complement: PRKDC is on the minus strand). VCF-style: chr8-47858926-G-A. GRCh37 (hg19) VCF-style: chr8-48771487-G-A.
Other names: c.6268C>T, p.Arg2090Trp (NM_001081640.2); short protein forms R2090W.
Identifiers: ClinVar variation 541985 (VCV000541985.10), dbSNP rs375294044, ClinGen allele CA4740404.